The following is an entry in ClinVar:

NM_000327.4(ROM1):c.593G>A (p.Arg198Gln)

Gene: ROM1 (retinal outer segment membrane protein 1; plus strand). Cytogenetic location: 11q12.3.
Variant type: single nucleotide variant.
Coding change: c.593G>A on transcript NM_000327.4 (MANE Select); coding-DNA position 593, G replaced by A.
Protein change: p.Arg198Gln; replaces arginine 198 with glutamine.
Molecular consequence: missense variant.
Genome position (GRCh38, 1-based): chr11:62,614,260, G>A. VCF-style: chr11-62614260-G-A. GRCh37 (hg19) VCF-style: chr11-62381732-G-A.
Other names: short protein forms R198Q.
Identifiers: ClinVar variation 305165 (VCV000305165.12), dbSNP rs141629524, ClinGen allele CA6049795.
Genomic context (GRCh38, chr11:62,614,260, plus strand): 5'-TCCCTCCCCCAGGCCTCTATCTCCAGACATCCTAACCCCTCTGTCCCTCCCTTTGCAGCC[G>A]GATCCAGAGCAATGTAGAAGGCCTATACCTGACTGATGGGGTCCCTTTCTCCTGTTGCAA-3'
Protein context (NP_000318.2, residues 188-208): LDPGDRDVAD[Arg198Gln]IQSNVEGLYL

ClinVar aggregate classification (germline): Conflicting classifications of pathogenicity. Review status: criteria provided, conflicting classifications (1 of 4 stars). 3 submissions from 3 submitters: Uncertain significance (2); Likely benign (1). Last evaluated 2026-01-18.

Conditions:
Retinitis pigmentosa (RP). Identifiers: Orphanet 791, MedGen C0035334, MeSH D012174, MONDO:0019200, OMIM 268000. Inheritance: Autosomal dominant, autosomal recessive and X linked inheritance.

Allele frequency attached by ClinVar (database versions not stated): gnomAD 0.00013 and 0.00016; ESP Exome Variant Server 0.00015; TOPMed 0.00018; ExAC 0.00026; 1000 Genomes Project 0.00040; 1000 Genomes Project 30x 0.00047.
gnomAD v4.1: 213 of 1,613,956 alleles (0.013%); highest among the groups gnomAD compares: South Asian, 0.18%; 4 homozygotes.

Submissions (3):

Labcorp Genetics (formerly Invitae), Labcorp
Classification: Uncertain significance. Last evaluated: 2026-01-18. Review status: criteria provided, single submitter. Criteria: Invitae Variant Classification Sherloc (09022015). Collection method: clinical testing. Allele origin: germline.
Comment: This sequence change replaces arginine, which is basic and polar, with glutamine, which is neutral and polar, at codon 198 of the ROM1 protein (p.Arg198Gln). This variant is present in population databases (rs141629524, gnomAD 0.2%), and has an allele count higher than expected for a pathogenic variant. This variant has not been reported in the literature in individuals affected with ROM1-related conditions. ClinVar contains an entry for this variant (Variation ID: 305165). An algorithm developed to predict the effect of missense changes on protein structure and function outputs the following: PolyPhen-2: "Benign". The glutamine amino acid residue is found in multiple mammalian species, which suggests that this missense change does not adversely affect protein function. In summary, the available evidence is currently insufficient to determine the role of this variant in disease. Therefore, it has been classified as a Variant of Uncertain Significance.

Illumina Laboratory Services, Illumina
Classification: Likely benign for Retinitis pigmentosa. Last evaluated: 2018-01-13. Review status: criteria provided, single submitter. Criteria: ICSL Variant Classification Criteria 13 December 2019. Collection method: clinical testing. Allele origin: germline.
Comment: This variant was observed in the ICSL laboratory as part of a predisposition screen in an ostensibly healthy population. It had not been previously curated by ICSL or reported in the Human Gene Mutation Database (HGMD: prior to June 1st, 2018), and was therefore a candidate for classification through an automated scoring system. Utilizing variant allele frequency, disease prevalence and penetrance estimates, and inheritance mode, an automated score was calculated to assess if this variant is too frequent to cause the disease. Based on the score and internal cut-off values, a variant classified as likely benign is not then subjected to further curation. The score for this variant resulted in a classification of likely benign for this disease.

GeneDx
Classification: Uncertain significance. Last evaluated: 2017-08-10. Review status: criteria provided, single submitter. Criteria: GeneDx Variant Classification (06012015). Collection method: clinical testing. Allele origin: germline. Affected: yes.
Comment: The R198Q variant in the ROM1 gene has not been reported previously as a pathogenic variant, nor as a benign variant, to our knowledge. The R198Q variant is observed in 26/16512 (0.16%) alleles from individuals of South Asian background, in the ExAC dataset (Lek et al., 2016). The R198Q variant is a semi-conservative amino acid substitution, which may impact secondary protein structure as these residues differ in some properties. This substitution occurs at a position that is not conserved. In silico analysis is inconsistent in its predictions as to whether or not the variant is damaging to the protein structure/function. We interpret R198Q as a variant of uncertain significance.